The following is an entry in ClinVar:

ClinVar aggregate classification (germline): Uncertain significance. Review status: criteria provided, multiple submitters, no conflicts (2 of 4 stars). 4 submissions from 4 submitters: Uncertain significance (4). Last evaluated 2026-09-08.

Conditions:
Imerslund-Grasbeck syndrome. Also called: Megaloblastic anemia due to inborn errors of metabolism; Imerslund-Gräsbeck syndrome; PERNICIOUS ANEMIA, JUVENILE, DUE TO SELECTIVE INTESTINAL MALABSORPTION OF VITAMIN B12, WITH PROTEINURIA; ENTEROCYTE COBALAMIN MALABSORPTION; ENTEROCYTE INTRINSIC FACTOR RECEPTOR, DEFECT OF. Identifiers: Orphanet 35858, MedGen C4551825, MONDO:0009853.
Proteinuria, chronic benign. Identifiers: MedGen C5394384, MONDO:0030042, OMIM 618884.
Imerslund-Grasbeck syndrome type 1 (IGS1). Also called: Megaloblastic anemia 1, Finnish type; Imerslund-Gräsbeck syndrome 1; MEGALOBLASTIC ANEMIA, 1. Identifiers: MedGen C4016819, MONDO:0100156, OMIM 261100.
Inborn genetic diseases. Identifiers: MedGen C0950123, MeSH D030342.
CUBN-related disorder. Also called: CUBN-related condition.

Allele frequency attached by ClinVar (database versions not stated): ExAC 0.00006; gnomAD exomes 0.00006.
gnomAD v4.1: 100 of 1,613,802 alleles (0.0062%); highest among the groups gnomAD compares: Non-Finnish European, 0.0071%; no homozygotes.

Submissions (4):

PreventionGenetics, part of Exact Sciences
Classification: Uncertain significance for CUBN-related condition. Last evaluated: 2026-09-08. Review status: criteria provided, single submitter. Criteria: ACMG Guidelines, 2015. Collection method: clinical testing. Allele origin: germline.
Comment: The CUBN c.6187C>T variant is predicted to result in the amino acid substitution p.Arg2063Trp. To our knowledge, this variant has not been reported in the literature. This variant is reported in 0.011% of alleles in individuals of European (Non-Finnish) descent in gnomAD. At this time, the clinical significance of this variant is uncertain due to the absence of conclusive functional and genetic evidence.

Ambry Genetics
Classification: Uncertain significance for Inborn genetic diseases. Last evaluated: 2023-05-09. Review status: criteria provided, single submitter. Criteria: Ambry Variant Classification Scheme 2023. Collection method: clinical testing. Allele origin: germline.

Labcorp Genetics (formerly Invitae), Labcorp
Classification: Uncertain significance for Imerslund-Grasbeck syndrome. Last evaluated: 2022-03-24. Review status: criteria provided, single submitter. Criteria: Invitae Variant Classification Sherloc (09022015). Collection method: clinical testing. Allele origin: germline.
Comment: In summary, the available evidence is currently insufficient to determine the role of this variant in disease. Therefore, it has been classified as a Variant of Uncertain Significance. Algorithms developed to predict the effect of missense changes on protein structure and function are either unavailable or do not agree on the potential impact of this missense change (SIFT: "Tolerated"; PolyPhen-2: "Possibly Damaging"; Align-GVGD: "Class C0"). This variant has not been reported in the literature in individuals affected with CUBN-related conditions. This variant is present in population databases (rs781180388, gnomAD 0.01%). This sequence change replaces arginine, which is basic and polar, with tryptophan, which is neutral and slightly polar, at codon 2063 of the CUBN protein (p.Arg2063Trp).

Fulgent Genetics
Classification: Uncertain significance for Imerslund-Grasbeck syndrome type 1; Proteinuria, chronic benign. Last evaluated: 2021-08-09. Review status: criteria provided, single submitter. Criteria: ACMG Guidelines, 2015. Collection method: clinical testing. Allele origin: unknown.

NM_001081.4(CUBN):c.6187C>T (p.Arg2063Trp)

Gene: CUBN (cubilin; minus strand). Cytogenetic location: 10p13.
Variant type: single nucleotide variant.
Coding change: c.6187C>T on transcript NM_001081.4 (MANE Select); coding-DNA position 6187, C replaced by T.
Protein change: p.Arg2063Trp; replaces arginine 2063 with tryptophan.
Molecular consequence: missense variant.
Genome position (GRCh38, 1-based): chr10:16,928,241, G>A on the plus strand (C>T on the coding strand, the complement: CUBN is on the minus strand). VCF-style: chr10-16928241-G-A. GRCh37 (hg19) VCF-style: chr10-16970240-G-A.
Other names: c.6187C>T (NM_001081.3); short protein forms R2063W.
Identifiers: ClinVar variation 1485275 (VCV001485275.10), dbSNP rs781180388, ClinGen allele CA5423774.